The following is an entry in ClinVar:

ClinVar aggregate classification (germline): Conflicting classifications of pathogenicity. Review status: criteria provided, conflicting classifications (1 of 4 stars). 8 submissions from 7 submitters: Uncertain significance (6); Likely benign (2). Last evaluated 2026-01-20.

Conditions:
Familial hypercholesterolemia. Also called: Familial hypercholesterolemias; Familial hypercholesterolaemia. Identifiers: MedGen C0020445, MONDO:0005439.
Hypercholesterolemia, familial, 1. Also called: LDL RECEPTOR DISORDER; Hyperlipoproteinemia Type IIa; HYPER-LOW-DENSITY-LIPOPROTEINEMIA; HYPERCHOLESTEROLEMIC XANTHOMATOSIS, FAMILIAL; Fredrickson type IIa hyperlipoproteinemia; Hyperlipoproteinemia type 2. Identifiers: Orphanet 391665, MedGen C0745103, MONDO:0007750, OMIM 143890.
Hypercholesterolemia, autosomal dominant, type B (FHCL2). Also called: APOB-Related Familial Hypercholesterolemia, Autosomal Dominant; Hyperlipoproteinemia Type IIb; Familial Hypercholesterolemia Type B; APOLIPOPROTEIN B-100, FAMILIAL DEFECTIVE; APOLIPOPROTEIN B-100, FAMILIAL LIGAND-DEFECTIVE; Familial hypercholesterolemia 2. Identifiers: MedGen C1704417, MONDO:0007751, OMIM 144010.
Familial hypobetalipoproteinemia 1. Also called: APOB-Related Familial Hypobetalipoproteinemia; Hypobetalipoproteinemia, normotriglyceridemic; Acanthocytosis with hypobetalipoproteinemia. Identifiers: MedGen C4551990, MONDO:0014252, OMIM 615558.
Cardiovascular phenotype. Identifiers: MedGen CN230736.

Allele frequency attached by ClinVar (database versions not stated): gnomAD exomes 0.00021 and 0.00018; ESP Exome Variant Server 0.00008; gnomAD 0.00011; TOPMed 0.00012; ExAC 0.00017.

Submissions (8):

Labcorp Genetics (formerly Invitae), Labcorp
Classification: Likely benign for Familial hypobetalipoproteinemia 1; Hypercholesterolemia, autosomal dominant, type B. Last evaluated: 2026-01-20. Review status: criteria provided, single submitter. Criteria: Invitae Variant Classification Sherloc (09022015). Collection method: clinical testing. Allele origin: germline.

GeneDx
Classification: Uncertain significance. Last evaluated: 2025-11-07. Review status: criteria provided, single submitter. Criteria: GeneDx Variant Classification Process June 2021. Collection method: clinical testing. Allele origin: germline. Affected: yes.
Comment: Identified in one individual with a clinical diagnosis of familial hypercholesterolemia (FH) in published literature (PMID: 30270084); In silico analysis suggests that this missense variant does not alter protein structure/function; This variant is associated with the following publications: (PMID: 30270084, 37937776)

Cambridge Genomics Laboratory, East Genomic Laboratory Hub, NHS Genomic Medicine Service
Classification: Uncertain significance for Familial hypercholesterolaemia. Last evaluated: 2024-02-16. Review status: criteria provided, single submitter. Criteria: ACGS Best Practice Guidelines for Variant Classification in Rare Disease 2020. Collection method: clinical testing. Allele origin: germline. Affected: yes.
Comment: The p.Val735Glu variant is novel (not in any individuals) in 1kG All. (PM2 - Moderate) | The p.Val735Glu missense variant is predicted to be tolerated by both SIFT or PolyPhen2. The glutamic acid residue at codon 735 of APOB is present in Chinchilla and 4 other mammalian species. The nucleotide c.2204 in APOB is not conserved according to a GERP++ and PhyloP analysis of 100 vertebrates. (BP4 - Supporting)

Ambry Genetics
Classification: Likely benign for Cardiovascular phenotype. Last evaluated: 2023-06-04. Review status: criteria provided, single submitter. Criteria: Ambry Variant Classification Scheme 2023. Collection method: clinical testing. Allele origin: germline.

Quest Diagnostics Nichols Institute San Juan Capistrano
Classification: Uncertain significance. Last evaluated: 2021-08-27. Review status: criteria provided, single submitter. Criteria: Quest Diagnostics criteria. Collection method: clinical testing. Allele origin: unknown.

Molecular Diagnostic Laboratory for Inherited Cardiovascular Disease, Montreal Heart Institute
Classification: Uncertain significance for Hypercholesterolemia, familial, 1. Last evaluated: 2020-01-09. Review status: criteria provided, single submitter. Criteria: ACMG Guidelines, 2015. Collection method: clinical testing. Allele origin: germline. Affected: yes.

Illumina Laboratory Services, Illumina
Classification: Uncertain significance for Hypercholesterolemia, autosomal dominant, type B. Last evaluated: 2018-01-13. Review status: criteria provided, single submitter. Criteria: ICSL Variant Classification Criteria 13 December 2019. Collection method: clinical testing. Allele origin: germline.

Illumina Laboratory Services, Illumina
Classification: Uncertain significance for Familial hypobetalipoproteinemia 1. Last evaluated: 2018-01-13. Review status: criteria provided, single submitter. Criteria: ICSL Variant Classification Criteria 13 December 2019. Collection method: clinical testing. Allele origin: germline.

Literature cited by the submitters: PubMed 30270084 (cited by Quest Diagnostics Nichols Institute San Juan Capistrano).

NM_000384.3(APOB):c.2204T>A (p.Val735Glu)

Gene: APOB (apolipoprotein B; minus strand). Cytogenetic location: 2p24.1.
Variant type: single nucleotide variant.
Coding change: c.2204T>A on transcript NM_000384.3 (MANE Select); coding-DNA position 2204, T replaced by A.
Protein change: p.Val735Glu; replaces valine 735 with glutamic acid.
Molecular consequence: missense variant.
Genome position (GRCh38, 1-based): chr2:21,026,828, A>T on the plus strand (T>A on the coding strand, the complement: APOB is on the minus strand). VCF-style: chr2-21026828-A-T. GRCh37 (hg19) VCF-style: chr2-21249700-A-T.
Other names: short protein forms V735E.
Identifiers: ClinVar variation 630518 (VCV000630518.35), dbSNP rs199872875, ClinGen allele CA055548.
Genomic context (GRCh38, chr2:21,026,828, plus strand): 5'-GATACTTCACAAATACACACCTGCTCATGTTTATCATCTTTGGTATAGCCAAAGTGGTCC[A>T]CTAAGACCTTAGAGACACCATCAGGAACTTGACCATTAACCCAGTACAAAGCTTTGTTGA-3'
Protein context (NP_000375.3, residues 725-745): QVPDGVSKVL[Val735Glu]DHFGYTKDDK